The following is an entry in ClinVar:

ClinVar aggregate classification (germline): Conflicting classifications of pathogenicity. Review status: criteria provided, conflicting classifications (1 of 4 stars). 7 submissions from 7 submitters: Uncertain significance (3); Likely benign (1). 3 of the submissions do not count toward it. Last evaluated 2025-12-21.

Conditions:
Early-infantile DEE. Also called: Ohtahara syndrome; Early infantile epileptic encephalopathy; Early infantile epileptic encephalopathy with suppression bursts. Identifiers: Orphanet 1934, MedGen C0393706, MONDO:0800491.
SCN8A-related disorder.

Allele frequency attached by ClinVar (database versions not stated): gnomAD exomes below 0.00001 and 0.00001; gnomAD 0.00003 and 0.00004; TOPMed 0.00003.
gnomAD v4.1: 12 of 1,613,878 alleles (0.00074%); highest among the groups gnomAD compares: Admixed American, 0.0017%; no homozygotes.

Submissions (7):

Labcorp Genetics (formerly Invitae), Labcorp
Classification: Likely benign for Early-infantile DEE. Last evaluated: 2025-12-21. Review status: criteria provided, single submitter. Criteria: Invitae Variant Classification Sherloc (09022015). Collection method: clinical testing. Allele origin: germline.

Blueprint Genetics
Classification: Uncertain significance. Last evaluated: 2021-11-17. Review status: criteria provided, single submitter. Criteria: ACMG Guidelines, 2015. Collection method: clinical testing. Allele origin: germline.

GeneDx
Classification: Uncertain significance. Last evaluated: 2019-10-07. Review status: criteria provided, single submitter. Criteria: GeneDx Variant Classification Process June 2021. Collection method: clinical testing. Allele origin: germline. Affected: yes.
Comment: The majority of missense variants in this gene are considered pathogenic (Stenson et al., 2014); In silico analysis, which includes protein predictors and evolutionary conservation, supports a deleterious effect; In silico analysis, which includes splice predictors and evolutionary conservation, suggests this variant may impact gene splicing. In the absence of RNA/functional studies, the actual effect of this sequence change is unknown.; Has not been previously published as pathogenic or benign to our knowledge; This substitution is predicted to be within the intracellular loop between fourth homologous domains and IQ domain

Athena Diagnostics
Classification: Uncertain significance. Last evaluated: 2019-07-03. Review status: criteria provided, single submitter. Criteria: Athena Diagnostics Criteria. Collection method: clinical testing. Allele origin: germline.

PreventionGenetics, part of Exact Sciences
Classification: Uncertain significance for SCN8A-related condition. Last evaluated: 2024-05-17. Review status: no assertion criteria provided. Collection method: clinical testing. Allele origin: germline. Not counted in ClinVar's aggregate classification.
Comment: The SCN8A c.5558A>G variant is predicted to result in the amino acid substitution p.Lys1853Arg. To our knowledge, this variant has not been reported in the literature. This variant is reported in 0.0018% of alleles in individuals of European (Non-Finnish) descent in gnomAD. A neighboring missense variant (Thr1852lle) has been reported in one individual with developmental delay and anoxic-epileptic seizures and a second individual with an unspecified epilepsy or neurodevelopmental disorder (Ranza et al. 2020. PubMed ID: 32040247; Lindy et al. 2018. PubMed ID: 29655203). At this time, the clinical significance of the c.5558A>G (p.Lys1853Arg) variant is uncertain due to the absence of conclusive functional and genetic evidence.

Joint Genome Diagnostic Labs from Nijmegen and Maastricht, Radboudumc and MUMC+
Classification: Uncertain significance. Review status: no assertion criteria provided. Collection method: clinical testing. Allele origin: germline. Affected: yes. Study: VKGL Data-share Consensus. Not counted in ClinVar's aggregate classification.

Laboratory of Diagnostic Genome Analysis, Leiden University Medical Center (LUMC)
Classification: Uncertain significance. Review status: no assertion criteria provided. Collection method: clinical testing. Allele origin: germline. Affected: yes. Study: VKGL Data-share Consensus. Not counted in ClinVar's aggregate classification.

NM_001330260.2(SCN8A):c.5558A>G (p.Lys1853Arg)

Gene: SCN8A (sodium voltage-gated channel alpha subunit 8; plus strand). Cytogenetic location: 12q13.13.
Variant type: single nucleotide variant.
Coding change: c.5558A>G on transcript NM_001330260.2 (MANE Select); coding-DNA position 5558, A replaced by G.
Protein change: p.Lys1853Arg; replaces lysine 1853 with arginine.
Molecular consequence: missense variant.
Genome position (GRCh38, 1-based): chr12:51,807,044, A>G. VCF-style: chr12-51807044-A-G. GRCh37 (hg19) VCF-style: chr12-52200828-A-G.
Other names: c.5435A>G, p.Lys1812Arg (NM_001177984.3, NM_001369788.1); c.5558A>G, p.Lys1853Arg (NM_014191.4); short protein forms K1853R, K1812R.
Identifiers: ClinVar variation 639109 (VCV000639109.19), dbSNP rs1410900258, ClinGen allele CA384887536.